The following is an entry in ClinVar:

ClinVar aggregate classification (germline): Conflicting classifications of pathogenicity. Review status: criteria provided, conflicting classifications (1 of 4 stars). 8 submissions from 8 submitters: Uncertain significance (6); Likely benign (2). Last evaluated 2026-01-22.

Conditions:
Congenital muscular dystrophy due to partial LAMA2 deficiency. Identifiers: MedGen C1842898.
LAMA2-related muscular dystrophy (LAMA2-RD). Also called: Laminin alpha 2-related dystrophy. Identifiers: MedGen C5679788, MONDO:0100228.

Allele frequency attached by ClinVar (database versions not stated): gnomAD exomes 0.00008 and 0.00038; ExAC 0.00011; TOPMed 0.00015; 1000 Genomes Project 30x 0.00016; gnomAD 0.00016 and 0.00017; 1000 Genomes Project 0.00020; ESP Exome Variant Server 0.00046.
gnomAD v4.1: 571 of 1,613,976 alleles (0.035%); highest among the groups gnomAD compares: Non-Finnish European, 0.046%; no homozygotes.

Submissions (8):

Labcorp Genetics (formerly Invitae), Labcorp
Classification: Likely benign for LAMA2-related muscular dystrophy. Last evaluated: 2026-01-22. Review status: criteria provided, single submitter. Criteria: Invitae Variant Classification Sherloc (09022015). Collection method: clinical testing. Allele origin: germline.

CeGaT Center for Human Genetics Tuebingen
Classification: Likely benign. Last evaluated: 2025-07-01. Review status: criteria provided, single submitter. Criteria: CeGaT Center For Human Genetics Tuebingen Variant Classification Criteria Version 2. Collection method: clinical testing. Allele origin: germline. Affected: yes. Observed: 1 variant allele.
Comment: LAMA2: BP4

Blueprint Genetics
Classification: Uncertain significance. Last evaluated: 2024-09-12. Review status: criteria provided, single submitter. Criteria: ACMG Guidelines, 2015. Collection method: clinical testing. Allele origin: germline.

Revvity Omics, Revvity
Classification: Uncertain significance. Last evaluated: 2024-08-13. Review status: criteria provided, single submitter. Criteria: ACMG Guidelines, 2015. Collection method: clinical testing. Allele origin: germline.

Women's Health and Genetics/Laboratory Corporation of America, LabCorp
Classification: Uncertain significance. Last evaluated: 2024-03-29. Review status: criteria provided, single submitter. Criteria: LabCorp Variant Classification Summary - May 2015. Collection method: clinical testing. Allele origin: germline.
Comment: Variant summary: LAMA2 c.7985T>C (p.Val2662Ala) results in a non-conservative amino acid change located in the Laminin G domain (IPR001791) of the encoded protein sequence. Three of five in-silico tools predict a damaging effect of the variant on protein function. The variant allele was found at a frequency of 8.4e-05 in 251296 control chromosomes (gnomAD). This frequency is not significantly higher than estimated for a pathogenic variant in LAMA2 causing Laminin Alpha 2-Related Dystrophy (8.4e-05 vs 0.0022), allowing no conclusion about variant significance. c.7985T>C has been reported in the literature in the compound heterozygous state in an individual affected with intellectual disability, growth retardation, and dysmorphic facial features who also had a likely pathogenic LARP7 variant in the homozygous state (Hollink_2016). This report does not provide unequivocal conclusions about association of the variant with Laminin Alpha 2-Related Dystrophy. To our knowledge, no experimental evidence demonstrating an impact on protein function has been reported. The following publication has been ascertained in the context of this evaluation (PMID: 26607181). ClinVar contains an entry for this variant (Variation ID: 905645). Based on the evidence outlined above, the variant was classified as uncertain significance.

Mayo Clinic Laboratories, Mayo Clinic
Classification: Uncertain significance. Last evaluated: 2020-10-12. Review status: criteria provided, single submitter. Criteria: ACMG Guidelines, 2015. Collection method: clinical testing. Allele origin: germline. Observed: 1 variant allele.

Illumina Laboratory Services, Illumina
Classification: Uncertain significance for Congenital muscular dystrophy due to partial LAMA2 deficiency. Last evaluated: 2017-04-27. Review status: criteria provided, single submitter. Criteria: ICSL Variant Classification Criteria 13 December 2019. Collection method: clinical testing. Allele origin: germline.
Comment: This variant was observed as part of a predisposition screen in an ostensibly healthy population. A literature search was performed for the gene, cDNA change, and amino acid change (where applicable). Publications were found based on this search. However, the evidence from the literature, in combination with allele frequency data from public databases where available, was not sufficient to rule this variant in or out of causing disease. Therefore, this variant is classified as a variant of unknown significance.

Breakthrough Genomics
Classification: Uncertain significance. Review status: criteria provided, single submitter. Criteria: ACMG Guidelines, 2015. Collection method: not provided. Allele origin: germline. Inheritance: Autosomal recessive inheritance. Affected: yes.

Literature cited by the submitters: PubMed 26607181 (cited by Women's Health and Genetics/Laboratory Corporation of America, LabCorp and Illumina Laboratory Services, Illumina).

NM_000426.4(LAMA2):c.7985T>C (p.Val2662Ala)

Gene: LAMA2 (laminin subunit alpha 2; plus strand). Cytogenetic location: 6q22.33.
Variant type: single nucleotide variant.
Coding change: c.7985T>C on transcript NM_000426.4 (MANE Select); coding-DNA position 7985, T replaced by C.
Protein change: p.Val2662Ala; replaces valine 2662 with alanine.
Molecular consequence: missense variant.
Genome position (GRCh38, 1-based): chr6:129,491,987, T>C. VCF-style: chr6-129491987-T-C. GRCh37 (hg19) VCF-style: chr6-129813132-T-C.
Other names: c.7973T>C, p.Val2658Ala (NM_001079823.2); short protein forms V2658A, V2662A.
Identifiers: ClinVar variation 905645 (VCV000905645.27), dbSNP rs138732723, ClinGen allele CA3994714.
Genomic context (GRCh38, chr6:129,491,987, plus strand): 5'-ACAGAAGATACATGCAAAACCTGACAGTTGAACAGCCTATCGAAGTTAAAAAGCTTTTCG[T>C]TGGGGGTGCTCCACCTGAATTTCAACCTTCCCCACTCAGAAATATTCCTCCTTTTGAAGG-3'
Protein context (NP_000417.3, residues 2652-2672): EQPIEVKKLF[Val2662Ala]GGAPPEFQPS